The following is an entry in ClinVar:

ClinVar aggregate classification (germline): Conflicting classifications of pathogenicity. Review status: criteria provided, conflicting classifications (1 of 4 stars). 3 submissions from 3 submitters: Uncertain significance (2); Likely benign (1). Last evaluated 2025-05-12.

Conditions:
Hereditary cancer-predisposing syndrome. Also called: Hereditary Cancer Syndrome; Tumor predisposition; Neoplastic Syndromes, Hereditary; Hereditary neoplastic syndrome. Identifiers: Orphanet 140162, MedGen C0027672, MeSH D009386, MONDO:0015356.
Hereditary breast ovarian cancer syndrome. Also called: Hereditary breast and ovarian cancer syndrome; Hereditary breast and/or ovarian cancer syndrome; Hereditary breast and ovarian cancer syndrome (HBOC); Breast and ovarian cancer; Hereditary breast and ovarian cancer; BRCA1- and BRCA2-Associated Hereditary Breast and Ovarian Cancer. Identifiers: Orphanet 145, MedGen C0677776, MeSH D061325, MONDO:0003582. Disease mechanism: loss of function.

Submissions (3):

Ambry Genetics
Classification: Uncertain significance for Hereditary cancer-predisposing syndrome. Last evaluated: 2025-05-12. Review status: criteria provided, single submitter. Criteria: Ambry Variant Classification Scheme 2023. Collection method: clinical testing. Allele origin: germline.
Comment: The p.S1173I variant (also known as c.3518G>T), located in coding exon 9 of the BRCA1 gene, results from a G to T substitution at nucleotide position 3518. The serine at codon 1173 is replaced by isoleucine, an amino acid with dissimilar properties. This amino acid position is poorly conserved in available vertebrate species. In addition, this alteration is predicted to be tolerated by in silico analysis. Based on the available evidence, the clinical significance of this variant remains unclear.

University of Washington Department of Laboratory Medicine, University of Washington
Classification: Likely benign for Hereditary cancer-predisposing syndrome. Last evaluated: 2023-03-23. Review status: criteria provided, single submitter. Criteria: Dines et al. (Genet Med. 2020). Collection method: curation. Allele origin: germline.
Comment: Missense variant in a coldspot region where missense variants are very unlikely to be pathogenic (PMID:31911673).

BRCA1 coldspot (exon 11 using historical exon numbering). Reclassification based on statistical prior probability

Labcorp Genetics (formerly Invitae), Labcorp
Classification: Uncertain significance for Hereditary breast ovarian cancer syndrome. Last evaluated: 2019-12-22. Review status: criteria provided, single submitter. Criteria: Invitae Variant Classification Sherloc (09022015). Collection method: clinical testing. Allele origin: germline.
Comment: In summary, the available evidence is currently insufficient to determine the role of this variant in disease. Therefore, it has been classified as a Variant of Uncertain Significance. Algorithms developed to predict the effect of missense changes on protein structure and function (SIFT, PolyPhen-2, Align-GVGD) all suggest that this variant is likely to be tolerated, but these predictions have not been confirmed by published functional studies and their clinical significance is uncertain. This variant has been reported in individuals in the Leiden Open-source Variation Database (PMID: 21520333). This variant is not present in population databases (ExAC no frequency). This sequence change replaces serine with isoleucine at codon 1173 of the BRCA1 protein (p.Ser1173Ile). The serine residue is weakly conserved and there is a large physicochemical difference between serine and isoleucine.

Literature cited by the submitters: PubMed 21520333 (cited by Labcorp Genetics (formerly Invitae), Labcorp).

NM_007294.4(BRCA1):c.3518G>T (p.Ser1173Ile)

Genes: BRCA1 (BRCA1 DNA repair associated; minus strand), LOC126862571 (BRD4-independent group 4 enhancer GRCh37_chr17:41243136-41244335; plus strand). Cytogenetic location: 17q21.31.
Variant type: single nucleotide variant.
Coding change: c.3518G>T on transcript NM_007294.4 (MANE Select); coding-DNA position 3518, G replaced by T.
Protein change: p.Ser1173Ile; replaces serine 1173 with isoleucine.
Molecular consequence: missense variant. On other transcripts: intron variant (135).
Genome position (GRCh38, 1-based): chr17:43,092,013, C>A on the plus strand (G>T on the coding strand, the complement: BRCA1 is on the minus strand). VCF-style: chr17-43092013-C-A. GRCh37 (hg19) VCF-style: chr17-41244030-C-A.
Other names: c.3374G>T, p.Ser1125Ile (NM_001407841.1, NM_001407842.1, NM_001407843.1 and 20 more transcripts); c.2630G>T, p.Ser877Ile (NM_001407967.1, NM_001407966.1); c.914G>T, p.Ser305Ile (NM_001407968.1, NM_001407969.1); c.647-981G>T (NM_001408453.1, NM_001408458.1, NM_001408469.1 and 11 more transcripts); c.3377G>T, p.Ser1126Ile (NM_007297.4, NM_001407851.1, NM_001407850.1 and 29 more transcripts); c.284-981G>T (NM_001408512.1); c.644-981G>T (NM_001408470.1, NM_001408464.1, NM_001408468.1 and 3 more transcripts); c.3518G>T, p.Ser1173Ile (NM_007300.4, NM_001407581.1, NM_001407582.1 and 30 more transcripts); and 41 more; short protein forms S1126I, S1173I, S1061I, S1103I, S1132I, S1147I, S1172I, S877I.
Identifiers: ClinVar variation 863842 (VCV000863842.22), dbSNP rs746949187, ClinGen allele CA10594934.